The following is an entry in ClinVar:

NM_000395.3(CSF2RB):c.2399C>T (p.Pro800Leu)

Gene: CSF2RB (colony stimulating factor 2 receptor subunit beta; plus strand). Cytogenetic location: 22q12.3.
Variant type: single nucleotide variant.
Coding change: c.2399C>T on transcript NM_000395.3 (MANE Select); coding-DNA position 2399, C replaced by T.
Protein change: p.Pro800Leu; replaces proline 800 with leucine.
Molecular consequence: missense variant.
Genome position (GRCh38, 1-based): chr22:36,938,207, C>T. VCF-style: chr22-36938207-C-T. GRCh37 (hg19) VCF-style: chr22-37334249-C-T.
Other names: c.2399C>T (NM_000395.2); short protein forms P800L.
Identifiers: ClinVar variation 1436237 (VCV001436237.10), dbSNP rs373146591, ClinGen allele CA10214111.

ClinVar aggregate classification (germline): Uncertain significance. Review status: criteria provided, multiple submitters, no conflicts (2 of 4 stars). 2 submissions from 2 submitters: Uncertain significance (2). Last evaluated 2025-12-11.

Conditions:
Inborn genetic diseases. Identifiers: MedGen C0950123, MeSH D030342.

Allele frequency attached by ClinVar (database versions not stated): gnomAD 0.00002 and 0.00004; TOPMed 0.00002; gnomAD exomes 0.00003 and 0.00006; ExAC 0.00008; ESP Exome Variant Server 0.00008.
gnomAD v4.1: 44 of 1,614,010 alleles (0.0027%); highest among the groups gnomAD compares: South Asian, 0.018%; 1 homozygote.

Submissions (2):

Labcorp Genetics (formerly Invitae), Labcorp
Classification: Uncertain significance. Last evaluated: 2025-12-11. Review status: criteria provided, single submitter. Criteria: Invitae Variant Classification Sherloc (09022015). Collection method: clinical testing. Allele origin: germline.
Comment: This sequence change replaces proline, which is neutral and non-polar, with leucine, which is neutral and non-polar, at codon 800 of the CSF2RB protein (p.Pro800Leu). This variant is present in population databases (rs373146591, gnomAD 0.02%). This variant has not been reported in the literature in individuals affected with CSF2RB-related conditions. ClinVar contains an entry for this variant (Variation ID: 1436237). Invitae Evidence Modeling of protein sequence and biophysical properties (such as structural, functional, and spatial information, amino acid conservation, physicochemical variation, residue mobility, and thermodynamic stability) indicates that this missense variant is not expected to disrupt CSF2RB protein function with a negative predictive value of 80%. In summary, the available evidence is currently insufficient to determine the role of this variant in disease. Therefore, it has been classified as a Variant of Uncertain Significance.

Ambry Genetics
Classification: Uncertain significance for Inborn genetic diseases. Last evaluated: 2025-08-05. Review status: criteria provided, single submitter. Criteria: Ambry Variant Classification Scheme 2023. Collection method: clinical testing. Allele origin: germline.